The following is an entry in ClinVar:

NM_001370259.2(MEN1):c.1722C>T (p.Ala574=)

Gene: MEN1 (menin 1; minus strand). Cytogenetic location: 11q13.1.
Variant type: single nucleotide variant.
Coding change: c.1722C>T on transcript NM_001370259.2 (MANE Select); coding-DNA position 1722, C replaced by T.
Protein change: p.Ala574=; no amino-acid change (alanine 574 retained).
Molecular consequence: synonymous variant. On other transcripts: non-coding transcript variant (4).
Genome position (GRCh38, 1-based): chr11:64,804,445, G>A on the plus strand (C>T on the coding strand, the complement: MEN1 is on the minus strand). VCF-style: chr11-64804445-G-A. GRCh37 (hg19) VCF-style: chr11-64571917-G-A.
Other names: c.1737C>T, p.Ala579= (NM_000244.4, NM_001407145.1, NM_130800.3 and 4 more transcripts); c.1848C>T, p.Ala616= (NM_001370251.2, NM_001407142.1, NM_001407143.1 and 1 more transcripts); c.1722C>T, p.Ala574= (NM_001370260.2, NM_001370261.2, NM_001407146.1 and 2 more transcripts); c.1617C>T, p.Ala539= (NM_001370262.2, NM_001370263.2, NM_001407148.1 and 1 more transcripts); c.1863C>T, p.Ala621= (NM_001407150.1); c.1743C>T, p.Ala581= (NM_001407151.1); c.1557C>T, p.Ala519= (NM_001407152.1).
Identifiers: ClinVar variation 1778799 (VCV001778799.3), dbSNP rs2497103585, ClinGen allele CA475163212.

ClinVar aggregate classification (germline): Benign/Likely benign. Review status: criteria provided, multiple submitters, no conflicts (2 of 4 stars). 2 submissions from 2 submitters: Benign (1); Likely benign (1). Last evaluated 2024-11-05.

Conditions:
Hereditary cancer-predisposing syndrome. Also called: Tumor predisposition; Neoplastic Syndromes, Hereditary; Hereditary Cancer Syndrome; Hereditary neoplastic syndrome. Identifiers: Orphanet 140162, MedGen C0027672, MeSH D009386, MONDO:0015356.
Multiple endocrine neoplasia, type 1 (MEN1). Also called: MEN I; WERMER SYNDROME; Endocrine adenomatosis multiple; MEN 1; MEA I. Identifiers: Orphanet 652, MedGen C0025267, MeSH D018761, MONDO:0007540, OMIM 131100.

Submissions (2):

Myriad Genetics, Inc.
Classification: Benign for Multiple endocrine neoplasia, type 1. Last evaluated: 2024-11-05. Review status: criteria provided, single submitter. Criteria: Myriad Autosomal Dominant, Autosomal Recessive and X-Linked Classification Criteria (2023). Collection method: clinical testing. Allele origin: unknown.
Comment: This variant is considered benign. This variant is a silent/synonymous amino acid change and it is not expected to impact splicing.

Ambry Genetics
Classification: Likely benign for Hereditary cancer-predisposing syndrome. Last evaluated: 2020-11-27. Review status: criteria provided, single submitter. Criteria: Ambry Variant Classification Scheme 2023. Collection method: clinical testing. Allele origin: germline.